The following is an entry in ClinVar:

NM_004448.4(ERBB2):c.1397C>T (p.Ala466Val)

Gene: ERBB2 (erb-b2 receptor tyrosine kinase 2; plus strand). Cytogenetic location: 17q12.
Variant type: single nucleotide variant.
Coding change: c.1397C>T on transcript NM_004448.4 (MANE Select); coding-DNA position 1397, C replaced by T.
Protein change: p.Ala466Val; replaces alanine 466 with valine.
Molecular consequence: missense variant. On other transcripts: non-coding transcript variant (1), intron variant (1).
Genome position (GRCh38, 1-based): chr17:39,715,823, C>T. VCF-style: chr17-39715823-C-T. GRCh37 (hg19) VCF-style: chr17-37872076-C-T.
Other names: c.1307C>T, p.Ala436Val (NM_001005862.3, NM_001289938.2, NM_001382782.1 and 1 more transcripts); c.1352C>T, p.Ala451Val (NM_001289936.2); c.1397C>T, p.Ala466Val (NM_001289937.2, NM_001382785.1, NM_001382797.1 and 12 more transcripts); c.1514C>T, p.Ala505Val (NM_001382784.1, NM_001382786.1); c.1217C>T, p.Ala406Val (NM_001382799.1); c.1139C>T, p.Ala380Val (NM_001382802.1); c.569C>T, p.Ala190Val (NM_001382804.1); c.1222+464C>T (NM_001382806.1); and 3 more; short protein forms A190V, A451V, A466V, A473V, A463V, A491V, A505V, A380V.
Identifiers: ClinVar variation 2884151 (VCV002884151.3), dbSNP rs751074421, ClinGen allele CA8533973.

ClinVar aggregate classification (germline): Uncertain significance (1 of 4 stars; one submission).

Allele frequency attached by ClinVar (database versions not stated): gnomAD exomes below 0.00001; ExAC 0.00001; TOPMed 0.00001.

Submission:

Labcorp Genetics (formerly Invitae), Labcorp
Classification: Uncertain significance. Last evaluated: 2024-04-22. Review status: criteria provided, single submitter. Criteria: Invitae Variant Classification Sherloc (09022015). Collection method: clinical testing. Allele origin: germline.
Comment: This sequence change replaces alanine, which is neutral and non-polar, with valine, which is neutral and non-polar, at codon 466 of the ERBB2 protein (p.Ala466Val). This variant is present in population databases (rs751074421, gnomAD 0.01%). This missense change has been observed in individual(s) with breast cancer and/or prostate cancer (PMID: 28164408, 36095024). Advanced modeling of protein sequence and biophysical properties (such as structural, functional, and spatial information, amino acid conservation, physicochemical variation, residue mobility, and thermodynamic stability) performed at Invitae indicates that this missense variant is not expected to disrupt ERBB2 protein function with a negative predictive value of 80%. Experimental studies have shown that this missense change affects ERBB2 function (PMID: 28164408). In summary, the available evidence is currently insufficient to determine the role of this variant in disease. Therefore, it has been classified as a Variant of Uncertain Significance.

Literature cited by the submitters: PubMed 28164408; PubMed 36095024.